The following is an entry in ClinVar:

NM_006767.4(LZTR1):c.263+1G>A

Gene: LZTR1 (leucine zipper like post translational regulator 1; plus strand). Cytogenetic location: 22q11.21.
Variant type: single nucleotide variant.
Coding change: c.263+1G>A on transcript NM_006767.4 (MANE Select); the canonical splice donor site of the intron after coding-DNA position 263, G replaced by A.
Molecular consequence: splice donor variant.
Genome position (GRCh38, 1-based): chr22:20,983,090, G>A. VCF-style: chr22-20983090-G-A. GRCh37 (hg19) VCF-style: chr22-21337379-G-A.
Identifiers: ClinVar variation 1066305 (VCV001066305.21), dbSNP rs761241914, ClinGen allele CA10118325.

ClinVar aggregate classification (germline): Likely pathogenic. Review status: reviewed by expert panel (3 of 4 stars). 9 submissions from 9 submitters: Likely pathogenic (1). 8 of the submissions do not count toward it. Last evaluated 2024-12-03.

Conditions:
Noonan syndrome 10 (NS10). Identifiers: Orphanet 648, MedGen C4225280, MONDO:0014693, OMIM 616564.
LZTR1-related schwannomatosis. Also called: Schwannomatosis 2; Schwannomatosis-2, susceptibility to. Identifiers: Orphanet 93921, MedGen C3810283, MONDO:0014299, OMIM 615670.
Noonan syndrome 2 (NS2). Identifiers: Orphanet 648, MedGen C1854469, MONDO:0011531, OMIM 605275.
LZTR1-related disorder. Also called: LZTR1-related disorders; LZTR1-related condition.
RASopathy. Also called: Noonan spectrum disorder; rasopathies. Identifiers: Orphanet 536391, MedGen C5555857, MONDO:0021060.
Hereditary cancer-predisposing syndrome. Also called: Hereditary Cancer Syndrome; Hereditary neoplastic syndrome; Neoplastic Syndromes, Hereditary; Tumor predisposition. Identifiers: Orphanet 140162, MedGen C0027672, MeSH D009386, MONDO:0015356.
Cardiovascular phenotype. Identifiers: MedGen CN230736.

Allele frequency attached by ClinVar (database versions not stated): ExAC 0.00001; TOPMed 0.00001; gnomAD exomes 0.00002 and 0.00001; gnomAD 0.00001.
gnomAD v4.1: 6 of 1,612,988 alleles (0.00037%); highest among the groups gnomAD compares: Admixed American, 0.0067%; no homozygotes.

Submissions (9):

ClinGen RASopathy Variant Curation Expert Panel
Classification: Likely pathogenic for RASopathy. Last evaluated: 2024-12-03. Review status: reviewed by expert panel. Criteria: ClinGen RASopathy ACMG Specifications LZTR1 V1.3.0. Collection method: curation. Allele origin: germline. Inheritance: Autosomal recessive inheritance.
Comment: The c.263+1G>A variant in LZTR1 occurs within the canonical splice donor site (+1) of intron 2. It is predicted to cause skipping of biologically-relevant-exon 2/21 (out of frame), resulting in a frameshift leading to nonsense mediated decay in a gene in which loss-of-function is an established disease mechanism (PVS1). The filtering allele frequency (the upper threshold of the 95% CI of 3/35430) of the c.263+1G>A variant in LZTR1 is 0.00002299 for Admixed American chromosomes by gnomAD v2.1.1, which is lower than the ClinGen RASopathy VCEP threshold (≤0.000025) for PM2_Supporting, and therefore meets this criterion (PM2_Supporting). In summary, this variant meets the criteria to be classified as likely pathogenic for autosomal recessive RASopathy based on the ACMG/AMP criteria applied, as specified by the ClinGen RASopathy VCEP: PVS1, PM2_Supporting. (ClinGen RASopathy VCEP specifications version 1.3; 12/3/2024)

GeneDx
Classification: Likely pathogenic. Last evaluated: 2026-09-23. Review status: criteria provided, single submitter. Criteria: GeneDx Variant Classification Process June 2021. Collection method: clinical testing. Allele origin: germline. Not counted in ClinVar's aggregate classification.
Comment: Canonical splice site variant predicted to result in an in-frame loss of the adjacent exon in a gene for which loss of function is a known mechanism of disease; Not observed at significant frequency in large population cohorts (gnomAD); Identified in an individual with congenital heart disease in published literature (PMID: 40127276); This variant is associated with the following publications: (PMID: 40127276)

Women's Health and Genetics/Laboratory Corporation of America, LabCorp
Classification: Pathogenic for Noonan syndrome 2. Last evaluated: 2026-03-06. Review status: criteria provided, single submitter. Criteria: LabCorp Variant Classification Summary - May 2015. Collection method: clinical testing. Allele origin: germline. Not counted in ClinVar's aggregate classification.
Comment: Variant summary: LZTR1 c.263+1G>A is located in a canonical splice-site and is predicted to affect mRNA splicing resulting in a significantly altered protein due to either exon skipping, shortening, or inclusion of intronic material. Variants that disrupt the consensus splice site are a relatively common cause of aberrant splicing and loss of LZTR1 function. The variant allele was found at a frequency of 1.6e-05 in 251470 control chromosomes. To our knowledge, no experimental evidence demonstrating an impact on protein function has been reported. ClinVar contains an entry for this variant (Variation ID: 1066305). Based on the evidence outlined above, the variant was classified as pathogenic for LZTR1-related conditions (AD Schwannomatosis, AD Noonan Syndrome, AR Noonan Syndrome).

Rady Children's Institute for Genomic Medicine, Rady Children's Hospital San Diego
Classification: Likely pathogenic for LZTR1-related disorders. Last evaluated: 2025-11-07. Review status: criteria provided, single submitter. Criteria: ACMG Guidelines, 2015. Collection method: clinical testing. Allele origin: germline. Affected: yes. Not counted in ClinVar's aggregate classification.
Comment: This variant affects the canonical splice donor site of intron 2/20 and is therefore predicted to interfere with splicing and result in loss of normal protein function through either protein truncation or nonsense-mediated mRNA decay. In personal communication with RCIGM, Ambry Genetics reported their RNA analysis confirmed aberrant RNA splicing associated with this variant in an individual with a left acoustic neuroma and left facial schwannoma, without detected NF2 or SMARCB1 variants. This variant has not been previously reported or functionally characterized in the literature to our knowledge. The c.263+1G>A variant is present in the latest version of the gnomAD population database at an allele frequency of 0.0004% (6/1612988); however, quality metrics indicate the frequency data for this variant is considered unreliable in the latest version of the gnomAD database. Based on the available evidence, c.263+1G>A is classified as Likely Pathogenic.

Labcorp Genetics (formerly Invitae), Labcorp
Classification: Pathogenic. Last evaluated: 2025-10-21. Review status: criteria provided, single submitter. Criteria: Invitae Variant Classification Sherloc (09022015). Collection method: clinical testing. Allele origin: germline. Not counted in ClinVar's aggregate classification.
Comment: This sequence change affects a donor splice site in intron 2 of the LZTR1 gene. It is expected to disrupt RNA splicing. Variants that disrupt the donor or acceptor splice site typically lead to a loss of protein function (PMID: 16199547), and loss-of-function variants in LZTR1 are known to be pathogenic (PMID: 24362817, 25335493, 25480913, 25795793, 29469822, 30368668, 30442762, 30442766, 30481304, 30859559). This variant is present in population databases (rs761241914, gnomAD 0.01%). Disruption of this splice site has been observed in individual(s) with clinical features of Noonan syndrome (internal data). In at least one individual the variant was observed to be de novo. ClinVar contains an entry for this variant (Variation ID: 1066305). Algorithms developed to predict the effect of sequence changes on RNA splicing suggest that this variant may disrupt the consensus splice site. For these reasons, this variant has been classified as Pathogenic.

Institute for Genomic Medicine (IGM) Clinical Laboratory, Nationwide Children's Hospital
Classification: Pathogenic for LZTR1-related schwannomatosis. Last evaluated: 2025-05-16. Review status: criteria provided, single submitter. Criteria: ACMG Guidelines, 2015. Collection method: clinical testing. Allele origin: germline. Not counted in ClinVar's aggregate classification.
Comment: This variant is predicted to result in loss of function through nonsense-mediated decay of the encoded transcript or premature truncation of the encoded protein in a gene in which loss of function is a known mechanism of disease (ACMG/AMP: PVS1; PMIDs:25480913, 24362817, 25335493). Well-established functional studies have demonstrated this variant to have a damaging effect on protein function or splicing (ACMG/AMP: PS3_Supporting). This variant has been reported at an elevated frequency in affected individuals/in multiple affected individuals in the literature (ACMG/AMP: PS4_Supporting). This variant is absent from or present at an exceedingly low frequency in gnomAD, a large-scale control population database (ACMG/AMP: PM2_Supporting).

Ambry Genetics
Classification: Pathogenic for Cardiovascular phenotype; Hereditary cancer-predisposing syndrome. Last evaluated: 2024-12-05. Review status: criteria provided, single submitter. Criteria: Ambry Variant Classification Scheme 2023. Collection method: clinical testing. Allele origin: germline. Not counted in ClinVar's aggregate classification.
Comment: The c.263+1G>A intronic pathogenic mutation results from a G to A substitution one nucleotide after coding exon 2 of the LZTR1 gene. This alteration has been observed in at least one individual with a personal and/or family history that is consistent with LZTR1-related disease (Ambry internal data). Alterations that disrupt the canonical splice site are expected to cause aberrant splicing, resulting in an abnormal protein or a transcript that is subject to nonsense-mediated mRNA decay. As such, this alteration is classified as likely pathogenic. This nucleotide position is highly conserved in available vertebrate species. In silico splice site analysis predicts that this alteration will weaken the native splice donor site and may result in the creation or strengthening of a novel splice donor site , and RNA studies have demonstrated that this alteration results in abnormal splicing in the set of samples tested (Ambry internal data). Loss-of-function variants in LZTR1 are related to an increased risk for schwannomas and autosomal recessive Noonan syndrome; however, such associations with autosomal dominant Noonan syndrome have not been observed (Piotrowski A et al. Nat Genet. 2014 Feb;46:182-7; Yamamoto GL et al. J Med Genet. 2015 Jun;52:413-21; Johnston JJ et al. Genet Med. 2018 10;20:1175-1185). Based on the supporting evidence, this variant is pathogenic for an increased risk of LZTR1-related schwannomatosis (SWN) and would be expected to cause autosomal recessive Noonan syndrome when present along with a second pathogenic or likely pathogenic variant on the other allele; however, the association of this alteration with autosomal dominant Noonan syndrome is unlikely.

Fulgent Genetics
Classification: Likely pathogenic for Noonan syndrome 2; LZTR1-related schwannomatosis; Noonan syndrome 10. Last evaluated: 2024-05-21. Review status: criteria provided, single submitter. Criteria: ACMG Guidelines, 2015. Collection method: clinical testing. Allele origin: germline. Not counted in ClinVar's aggregate classification.

Baylor Genetics
Classification: Likely pathogenic for LZTR1-related schwannomatosis. Last evaluated: 2022-07-27. Review status: criteria provided, single submitter. Criteria: ACMG Guidelines, 2015. Collection method: clinical testing. Allele origin: unknown. Not counted in ClinVar's aggregate classification.

Literature cited by the submitters: PubMed 17357086 (cited by Rady Children's Institute for Genomic Medicine, Rady Children's Hospital San Diego); PubMed 20301303 (cited by Rady Children's Institute for Genomic Medicine, Rady Children's Hospital San Diego); PubMed 23917401 (cited by Rady Children's Institute for Genomic Medicine, Rady Children's Hospital San Diego); PubMed 24120142 (cited by Rady Children's Institute for Genomic Medicine, Rady Children's Hospital San Diego); PubMed 24362817 (cited by 3 submitters); PubMed 25480913 (cited by 3 submitters); PubMed 25795793 (cited by Rady Children's Institute for Genomic Medicine, Rady Children's Hospital San Diego and Labcorp Genetics (formerly Invitae), Labcorp); PubMed 27921248 (cited by Rady Children's Institute for Genomic Medicine, Rady Children's Hospital San Diego); PubMed 29469822 (cited by Rady Children's Institute for Genomic Medicine, Rady Children's Hospital San Diego and Labcorp Genetics (formerly Invitae), Labcorp); PubMed 29517885 (cited by Rady Children's Institute for Genomic Medicine, Rady Children's Hospital San Diego); PubMed 30368668 (cited by Rady Children's Institute for Genomic Medicine, Rady Children's Hospital San Diego and Labcorp Genetics (formerly Invitae), Labcorp); PubMed 30442762 (cited by Rady Children's Institute for Genomic Medicine, Rady Children's Hospital San Diego and Labcorp Genetics (formerly Invitae), Labcorp); PubMed 30481304 (cited by Rady Children's Institute for Genomic Medicine, Rady Children's Hospital San Diego and Labcorp Genetics (formerly Invitae), Labcorp); PubMed 30859559 (cited by Rady Children's Institute for Genomic Medicine, Rady Children's Hospital San Diego and Labcorp Genetics (formerly Invitae), Labcorp); PubMed 31128261 (cited by Rady Children's Institute for Genomic Medicine, Rady Children's Hospital San Diego); PubMed 16199547 (cited by Labcorp Genetics (formerly Invitae), Labcorp); PubMed 25335493 (cited by Labcorp Genetics (formerly Invitae), Labcorp and Institute for Genomic Medicine (IGM) Clinical Laboratory, Nationwide Children's Hospital); PubMed 30442766 (cited by Labcorp Genetics (formerly Invitae), Labcorp).